The following is an entry in ClinVar:

ClinVar aggregate classification (germline): Pathogenic (3 of 4 stars; one submission).

Conditions:
Glanzmann thrombasthenia. Also called: BLEEDING DISORDER, PLATELET-TYPE, 2; THROMBASTHENIA OF GLANZMANN AND NAEGELI; PLATELET GLYCOPROTEIN IIb-IIIa DEFICIENCY; Glanzmann's thrombasthenia; Thrombasthenia. Identifiers: Orphanet 849, MedGen C0040015, MONDO:0100326.

Submission:

ClinGen Platelet Disorders Variant Curation Expert Panel, ClinGen
Classification: Pathogenic for Glanzmann thrombasthenia. Last evaluated: 2023-05-16. Review status: reviewed by expert panel. Criteria: ClinGen Platelet ACMG Specifications v2-1. Collection method: curation. Allele origin: germline. Inheritance: Autosomal recessive inheritance.
Comment: The NM_000419.5(ITGA2B):c.1524_1533del (p.Gln508HisfsTer3) variant was identified in a patient (Patient 4, PMID 28888044) with a severe bleeding phenotype and diagnosis of GT. This indel results in the substitution of a Glutamine with a Histidine at amino acid residue 508 leading to a frameshift and eventual premature stop codon at codon 511 (PMID 28888044). Since this deletion occurs before the c.3011 in ITGA2B, the altered mRNA is predicted to undergo nonsense-mediated decay (PVS1). This variant was identified in a patient (Patient 4, PMID 28888044) with a severe bleeding type; common presentations in this cohort included recurrent epistaxis, bleeding in the oral cavity, and easy bruising spontaneously or after trauma. Platelet aggregation was negative for the agonists collagen, ADP, and arachidonic acid but was normal for ristocetin. Flow cytometry to analyze the platelet surface for CD41 and CD61 showed reduced expression in all patients. Sequencing of ITGB3 and ITGA2B was completed using whole exome sequencing although only this deletion was found by their exome sequencing (PP4_moderate). This variant is not reported in the gnomAD database v2.1.1 (PM2_Supporting). In summary, this variant meets the criteria to be classified as pathogenic for autosomal recessive Glanzmann Thrombasthenia based on the ACMG/AMP criteria applied, as specified by the ClinGen PD VCEP: PVS1, PP4_Moderate, and PM2_supporting.

NM_000419.5(ITGA2B):c.1524_1533del (p.Gln508fs)

Gene: ITGA2B (integrin subunit alpha 2b; minus strand). Cytogenetic location: 17q21.31.
Variant type: Deletion.
Coding change: c.1524_1533del on transcript NM_000419.5 (MANE Select); coding-DNA positions 1524 to 1533, 10 bases deleted (GACCAAGACA; older notation c.1524_1533delGACCAAGACA).
Protein change: p.Gln508fs; shifts the reading frame from glutamine 508.
Molecular consequence: frameshift variant.
Genome position (GRCh38, 1-based): chr17:44,380,397-44,380,406, TGTCTTGGTC deleted on the plus strand (GACCAAGACA on the coding strand, the reverse complement: ITGA2B is on the minus strand); deleting any 10 consecutive bases within chr17:44,380,397-44,380,408 gives the same sequence; the c. name uses the placement nearest the transcript's 3' end. VCF-style (leftmost placement, unchanged base first): chr17-44380396-GTGTCTTGGTC-G. GRCh37 (hg19) VCF-style: chr17-42457764-GTGTCTTGGTC-G.
Other names: NM_000419.5:c.1524_1533del; short protein forms Q508fs.
Identifiers: ClinVar variation 2506408 (VCV002506408.1), dbSNP rs2510079782, ClinGen allele CA915940265.
Genomic context (GRCh38, chr17:44,380,396, plus strand): 5'-CCTTTCTGAGGTCCCAGATCCTTTAAGGCCCATGCCCTCTGCCTCCTCACCAGCTCACGG[GTGTCTTGGTC>G]TGAGGTAGGACACAGCTCTTCACAGCAGGATTCAGTGAATCTTGCACCAGTAGCTGGACA-3'